The following is an entry in ClinVar:

ClinVar aggregate classification (germline): Uncertain significance. Review status: criteria provided, multiple submitters, no conflicts (2 of 4 stars). 4 submissions from 4 submitters: Uncertain significance (4). Last evaluated 2024-10-24.

Conditions:
Aortic aneurysm, familial thoracic 7 (AAT7). Also called: AORTIC DISSECTION, FAMILIAL, WITH OR WITHOUT AORTIC ANEURYSM. Identifiers: MedGen C3151077, MONDO:0013418, OMIM 613780.
Megacystis-microcolon-intestinal hypoperistalsis syndrome 1. Identifiers: MedGen C5542316, MONDO:0100354, OMIM 249210.
Familial thoracic aortic aneurysm and aortic dissection (TAAD). Also called: Thoracic aortic aneurysms and dissections. Identifiers: Orphanet 91387, MedGen C4707243, MONDO:0019625.

Allele frequency attached by ClinVar (database versions not stated): gnomAD exomes 0.00001; ExAC 0.00002.

Submissions (4):

Labcorp Genetics (formerly Invitae), Labcorp
Classification: Uncertain significance for Aortic aneurysm, familial thoracic 7. Last evaluated: 2024-10-24. Review status: criteria provided, single submitter. Criteria: Invitae Variant Classification Sherloc (09022015). Collection method: clinical testing. Allele origin: germline.
Comment: This sequence change replaces valine, which is neutral and non-polar, with methionine, which is neutral and non-polar, at codon 1792 of the MYLK protein (p.Val1792Met). This variant is present in population databases (rs746213310, gnomAD 0.003%). This variant has not been reported in the literature in individuals affected with MYLK-related conditions. ClinVar contains an entry for this variant (Variation ID: 409688). Invitae Evidence Modeling of protein sequence and biophysical properties (such as structural, functional, and spatial information, amino acid conservation, physicochemical variation, residue mobility, and thermodynamic stability) indicates that this missense variant is not expected to disrupt MYLK protein function with a negative predictive value of 95%. In summary, the available evidence is currently insufficient to determine the role of this variant in disease. Therefore, it has been classified as a Variant of Uncertain Significance.

GeneDx
Classification: Uncertain significance. Last evaluated: 2022-11-22. Review status: criteria provided, single submitter. Criteria: GeneDx Variant Classification Process June 2021. Collection method: clinical testing. Allele origin: germline. Affected: yes.
Comment: Has not been previously published as pathogenic or benign to our knowledge; Not observed at significant frequency in large population cohorts (gnomAD); In silico analysis supports that this missense variant does not alter protein structure/function

Fulgent Genetics
Classification: Uncertain significance for Megacystis-microcolon-intestinal hypoperistalsis syndrome 1; Aortic aneurysm, familial thoracic 7. Last evaluated: 2021-08-23. Review status: criteria provided, single submitter. Criteria: ACMG Guidelines, 2015. Collection method: clinical testing. Allele origin: unknown.

Ambry Genetics
Classification: Uncertain significance for Familial thoracic aortic aneurysm and aortic dissection. Last evaluated: 2021-07-07. Review status: criteria provided, single submitter. Criteria: Ambry Variant Classification Scheme 2023. Collection method: clinical testing. Allele origin: germline.
Comment: The p.V1792M variant (also known as c.5374G>A), located in coding exon 30 of the MYLK gene, results from a G to A substitution at nucleotide position 5374. The valine at codon 1792 is replaced by methionine, an amino acid with highly similar properties. This amino acid position is conserved. In addition, the in silico prediction for this alteration is inconclusive. Since supporting evidence is limited at this time, the clinical significance of this alteration remains unclear.

NM_053025.4(MYLK):c.5374G>A (p.Val1792Met)

Genes: MYLK (myosin light chain kinase; minus strand), MYLK-AS1 (MYLK antisense RNA 1; plus strand). Cytogenetic location: 3q21.1.
Variant type: single nucleotide variant.
Coding change: c.5374G>A on transcript NM_053025.4 (MANE Select); coding-DNA position 5374, G replaced by A.
Protein change: p.Val1792Met; replaces valine 1792 with methionine.
Molecular consequence: missense variant.
Genome position (GRCh38, 1-based): chr3:123,618,765, C>T on the plus strand (G>A on the coding strand, the complement: MYLK is on the minus strand). VCF-style: chr3-123618765-C-T. GRCh37 (hg19) VCF-style: chr3-123337612-C-T.
Other names: c.4846G>A, p.Val1616Met (NM_001321309.2); c.5167G>A, p.Val1723Met (NM_053026.4); c.5221G>A, p.Val1741Met (NM_053027.4); c.5014G>A, p.Val1672Met (NM_053028.4); c.91G>A, p.Val31Met (NM_053031.4); c.94G>A, p.Val32Met (NM_053032.4); short protein forms V1792M, V1672M, V1723M, V1616M, V1741M, V32M, V31M.
Identifiers: ClinVar variation 409688 (VCV000409688.14), dbSNP rs746213310, ClinGen allele CA072906.